The following is an entry in ClinVar:

ClinVar aggregate classification (germline): Conflicting classifications of pathogenicity. Review status: criteria provided, conflicting classifications (1 of 4 stars). 2 submissions from 2 submitters: Uncertain significance (1); Likely benign (1). Last evaluated 2022-12-01.

Conditions:
Intellectual developmental disorder, X-linked 93. Also called: Intellectual disability, X-linked 93; MENTAL RETARDATION, X-LINKED, WITH MACROCEPHALY. Identifiers: MedGen C1970841, MONDO:0010393, OMIM 300659.

Allele frequency attached by ClinVar (database versions not stated): TOPMed 0.00003; gnomAD 0.00005 and 0.00004; 1000 Genomes Project 30x 0.00042; 1000 Genomes Project 0.00053.

Submissions (2):

CeGaT Center for Human Genetics Tuebingen
Classification: Likely benign. Last evaluated: 2022-12-01. Review status: criteria provided, single submitter. Criteria: CeGaT Center For Human Genetics Tuebingen Variant Classification Criteria Version 2. Collection method: clinical testing. Allele origin: germline. Affected: yes. Observed: 1 variant allele.
Comment: BRWD3: BS2

Illumina Laboratory Services, Illumina
Classification: Uncertain significance for Intellectual developmental disorder, X-linked 93. Last evaluated: 2018-01-12. Review status: criteria provided, single submitter. Criteria: ICSL Variant Classification Criteria 13 December 2019. Collection method: clinical testing. Allele origin: germline.

NM_153252.5(BRWD3):c.*5773A>C

Gene: BRWD3 (bromodomain and WD repeat domain containing 3; minus strand). Cytogenetic location: Xq21.1.
Variant type: single nucleotide variant.
Coding change: c.*5773A>C on transcript NM_153252.5 (MANE Select); 5773 bases downstream of the stop codon, A replaced by C.
Molecular consequence: 3 prime UTR variant.
Genome position (GRCh38, 1-based): chrX:80,670,836, T>G on the plus strand (A>C on the coding strand, the complement: BRWD3 is on the minus strand). VCF-style: chrX-80670836-T-G. GRCh37 (hg19) VCF-style: chrX-79926335-T-G.
Identifiers: ClinVar variation 914667 (VCV000914667.28), dbSNP rs765604641, ClinGen allele CA331835364.